The following is an entry in ClinVar:

ClinVar aggregate classification (germline): Uncertain significance (1 of 4 stars; one submission).

Conditions:
Spermatogenic failure 18. Identifiers: MedGen C4539783, MONDO:0054615, OMIM 617576.
Ciliary dyskinesia, primary, 37 (CILD37). Also called: CILIARY DYSKINESIA, PRIMARY, 37, WITH OR WITHOUT SITUS INVERSUS. Identifiers: MedGen C4539798, MONDO:0033204, OMIM 617577.

Submission:

Labcorp Genetics (formerly Invitae), Labcorp
Classification: Uncertain significance for Ciliary dyskinesia, primary, 37; Spermatogenic failure 18. Last evaluated: 2022-07-26. Review status: criteria provided, single submitter. Criteria: Invitae Variant Classification Sherloc (09022015). Collection method: clinical testing. Allele origin: germline.
Comment: Algorithms developed to predict the effect of missense changes on protein structure and function are either unavailable or do not agree on the potential impact of this missense change (SIFT: "Deleterious"; PolyPhen-2: "Benign"; Align-GVGD: "Class C65"). ClinVar contains an entry for this variant (Variation ID: 1034707). This variant has not been reported in the literature in individuals affected with DNAH1-related conditions. This variant is not present in population databases (gnomAD no frequency). This sequence change replaces glutamic acid, which is acidic and polar, with glycine, which is neutral and non-polar, at codon 1540 of the DNAH1 protein (p.Glu1540Gly). In summary, the available evidence is currently insufficient to determine the role of this variant in disease. Therefore, it has been classified as a Variant of Uncertain Significance.

NM_015512.5(DNAH1):c.4619A>G (p.Glu1540Gly)

Gene: DNAH1 (dynein axonemal heavy chain 1; plus strand). Cytogenetic location: 3p21.1.
Variant type: single nucleotide variant.
Coding change: c.4619A>G on transcript NM_015512.5 (MANE Select); coding-DNA position 4619, A replaced by G.
Protein change: p.Glu1540Gly; replaces glutamic acid 1540 with glycine.
Molecular consequence: missense variant.
Genome position (GRCh38, 1-based): chr3:52,360,358, A>G. VCF-style: chr3-52360358-A-G. GRCh37 (hg19) VCF-style: chr3-52394374-A-G.
Other names: short protein forms E1540G.
Identifiers: ClinVar variation 1034707 (VCV001034707.5), dbSNP rs1702803990, ClinGen allele CA353132030.